The following is an entry in ClinVar:

NM_001244008.2(KIF1A):c.2377A>G (p.Ile793Val)

Gene: KIF1A (kinesin family member 1A; minus strand). Cytogenetic location: 2q37.3.
Variant type: single nucleotide variant.
Coding change: c.2377A>G on transcript NM_001244008.2 (MANE Select); coding-DNA position 2377, A replaced by G.
Protein change: p.Ile793Val; replaces isoleucine 793 with valine.
Molecular consequence: missense variant.
Genome position (GRCh38, 1-based): chr2:240,760,732, T>C on the plus strand (A>G on the coding strand, the complement: KIF1A is on the minus strand). VCF-style: chr2-240760732-T-C. GRCh37 (hg19) VCF-style: chr2-241700149-T-C.
Other names: c.2377A>G, p.Ile793Val (NM_001320705.2, NM_001330289.2, NM_001379638.1); c.2452A>G, p.Ile818Val (NM_001330290.2, NM_001379631.1, NM_001379634.1 and 2 more transcripts); c.2350A>G, p.Ile784Val (NM_001379632.1, NM_001379633.1, NM_001379636.1 and 10 more transcripts); c.2425A>G, p.Ile809Val (NM_001379637.1, NM_001379648.1); short protein forms I784V, I818V, I793V, I809V.
Identifiers: ClinVar variation 863814 (VCV000863814.13), dbSNP rs775052573, ClinGen allele CA2208113.

ClinVar aggregate classification (germline): Uncertain significance. Review status: criteria provided, multiple submitters, no conflicts (2 of 4 stars). 2 submissions from 2 submitters: Uncertain significance (2). Last evaluated 2025-06-08.

Conditions:
Hereditary spastic paraplegia 30. Identifiers: Orphanet 101010, MedGen C5235139, MONDO:0012476.
Neuropathy, hereditary sensory, type 2C. Also called: Hereditary sensory and autonomic neuropathy type IIC; KIF1A-Related HSAN2 (HSAN2C). Identifiers: Orphanet 970, MedGen C3280168, MONDO:0013634, OMIM 614213.
Intellectual disability, autosomal dominant 9 (NESCAVS). Also called: NESCAV SYNDROME; KIF1A-Related Neurodevelopmental Disorder. Identifiers: Orphanet 662367, MedGen C5393830, MONDO:0013656, OMIM 614255.

Allele frequency attached by ClinVar (database versions not stated): TOPMed below 0.00001; gnomAD 0.00001; gnomAD exomes 0.00001; ExAC 0.00003.
gnomAD v4.1: 10 of 1,591,790 alleles (0.00063%); highest among the groups gnomAD compares: Non-Finnish European, 0.00086%; no homozygotes.

Submissions (2):

Labcorp Genetics (formerly Invitae), Labcorp
Classification: Uncertain significance for Hereditary spastic paraplegia 30; Neuropathy, hereditary sensory, type 2C; Intellectual disability, autosomal dominant 9. Last evaluated: 2025-06-08. Review status: criteria provided, single submitter. Criteria: Invitae Variant Classification Sherloc (09022015). Collection method: clinical testing. Allele origin: germline.
Comment: This sequence change replaces isoleucine, which is neutral and non-polar, with valine, which is neutral and non-polar, at codon 784 of the KIF1A protein (p.Ile784Val). This variant is present in population databases (rs775052573, gnomAD 0.003%). This variant has not been reported in the literature in individuals affected with KIF1A-related conditions. ClinVar contains an entry for this variant (Variation ID: 863814). Invitae Evidence Modeling of protein sequence and biophysical properties (such as structural, functional, and spatial information, amino acid conservation, physicochemical variation, residue mobility, and thermodynamic stability) has been performed for this missense variant. However, the output from this modeling did not meet the statistical confidence thresholds required to predict the impact of this variant on KIF1A protein function. In summary, the available evidence is currently insufficient to determine the role of this variant in disease. Therefore, it has been classified as a Variant of Uncertain Significance.

Illumina Laboratory Services, Illumina
Classification: Uncertain significance for Spastic paraplegia 30A, autosomal dominant. Last evaluated: 2018-01-12. Review status: criteria provided, single submitter. Criteria: ICSL Variant Classification Criteria 13 December 2019. Collection method: clinical testing. Allele origin: germline.